The following is an entry in ClinVar:

ClinVar aggregate classification (germline): Benign/Likely benign. Review status: criteria provided, multiple submitters, no conflicts (2 of 4 stars). 14 submissions from 12 submitters: Benign (11); Likely benign (1). 2 of the submissions do not count toward it. Last evaluated 2026-02-04.

Conditions:
Familial cold autoinflammatory syndrome 1 (FCAS1). Also called: Familial cold inflammatory syndrome 1; CRYOPYRIN-ASSOCIATED PERIODIC SYNDROME 1. Identifiers: Orphanet 47045, MedGen C4551895, MONDO:0007349, OMIM 120100.
Cryopyrin associated periodic syndrome (CAPS). Identifiers: Orphanet 208650, MedGen C2316212, MONDO:0016168.
Familial amyloid nephropathy with urticaria AND deafness (MWS). Also called: MUCKLE-WELLS SYNDROME; Urticaria, deafness and amyloidosis; CRYOPYRIN-ASSOCIATED PERIODIC SYNDROME 2; UDA SYNDROME; URTICARIA-DEAFNESS-AMYLOIDOSIS SYNDROME. Identifiers: Orphanet 575, MedGen C0268390, MONDO:0008633, OMIM 191900.
Chronic infantile neurological, cutaneous and articular syndrome (CINCA). Also called: CHRONIC NEUROLOGIC CUTANEOUS AND ARTICULAR SYNDROME; Prieur Griscelli syndrome; CRYOPYRIN-ASSOCIATED PERIODIC SYNDROME 3; CINCA syndrome. Identifiers: Orphanet 1451, MedGen C0409818, MONDO:0011776, OMIM 607115.

Allele frequency attached by ClinVar (database versions not stated): gnomAD 0.10943; ESP Exome Variant Server 0.11525; TOPMed 0.11636; 1000 Genomes Project 0.11661; 1000 Genomes Project 30x 0.11852.
gnomAD v4.1: 111,237 of 1,613,902 alleles (6.9%); highest among the groups gnomAD compares: African/African-American, 22%; 5,177 homozygotes.

Submissions (14):

Labcorp Genetics (formerly Invitae), Labcorp
Classification: Benign for Cryopyrin associated periodic syndrome. Last evaluated: 2026-02-04. Review status: criteria provided, single submitter. Criteria: Invitae Variant Classification Sherloc (09022015). Collection method: clinical testing. Allele origin: germline.

Women's Health and Genetics/Laboratory Corporation of America, LabCorp
Classification: Benign. Last evaluated: 2026-01-21. Review status: criteria provided, single submitter. Criteria: LabCorp Variant Classification Summary - May 2015. Collection method: clinical testing. Allele origin: germline.

ARUP Laboratories, Molecular Genetics and Genomics, ARUP Laboratories
Classification: Benign. Last evaluated: 2025-07-25. Review status: criteria provided, single submitter. Criteria: ARUP Molecular Germline Variant Investigation Process 2024. Collection method: clinical testing. Allele origin: germline.

Blueprint Genetics
Classification: Likely benign. Last evaluated: 2024-11-26. Review status: criteria provided, single submitter. Criteria: ACMG Guidelines, 2015. Collection method: clinical testing. Allele origin: germline.

Mayo Clinic Laboratories, Mayo Clinic
Classification: Benign. Last evaluated: 2022-11-14. Review status: criteria provided, single submitter. Criteria: ACMG Guidelines, 2015. Collection method: clinical testing. Allele origin: germline. Observed: 178 variant alleles.
Comment: BA1, BP4, BP7

Illumina Laboratory Services, Illumina
Classification: Benign for Chronic infantile neurological, cutaneous and articular syndrome. Last evaluated: 2018-01-13. Review status: criteria provided, single submitter. Criteria: ICSL Variant Classification Criteria 13 December 2019. Collection method: clinical testing. Allele origin: germline.
Comment: This variant was observed in the ICSL laboratory as part of a predisposition screen in an ostensibly healthy population. It had not been previously curated by ICSL or reported in the Human Gene Mutation Database (HGMD: prior to June 1st, 2018), and was therefore a candidate for classification through an automated scoring system. Utilizing variant allele frequency, disease prevalence and penetrance estimates, and inheritance mode, an automated score was calculated to assess if this variant is too frequent to cause the disease. Based on the score and internal cut-off values, a variant classified as benign is not then subjected to further curation. The score for this variant resulted in a classification of benign for this disease.

Illumina Laboratory Services, Illumina
Classification: Benign for Familial amyloid nephropathy with urticaria AND deafness. Last evaluated: 2018-01-13. Review status: criteria provided, single submitter. Criteria: ICSL Variant Classification Criteria 13 December 2019. Collection method: clinical testing. Allele origin: germline.
Comment: the same text as in the submission from Illumina Laboratory Services, Illumina above.

Illumina Laboratory Services, Illumina
Classification: Benign for Familial cold autoinflammatory syndrome 1. Last evaluated: 2018-01-13. Review status: criteria provided, single submitter. Criteria: ICSL Variant Classification Criteria 13 December 2019. Collection method: clinical testing. Allele origin: germline.
Comment: the same text as in the submission from Illumina Laboratory Services, Illumina above.

Laboratory for Molecular Medicine, Mass General Brigham Personalized Medicine
Classification: Benign. Last evaluated: 2016-03-28. Review status: criteria provided, single submitter. Criteria: LMM Criteria. Collection method: clinical testing. Allele origin: germline. Observed: 40 variant alleles.
Comment: p.Thr221Thr in exon 5 of the NLPR3 gene: This variant is not expected to have cl inical significance because it does not alter an amino acid residue and it has b een identified in 8% (23018/276946) of the total chromosomes by the the Genome A ggregation Database (gnomAD; dbSNP rs7525979).

GeneDx
Classification: Benign. Last evaluated: 2015-03-03. Review status: criteria provided, single submitter. Criteria: GeneDx Variant Classification Process June 2021. Collection method: clinical testing. Allele origin: germline. Affected: yes.
Comment: This variant is associated with the following publications: (PMID: 30246732, 30131971)

Breakthrough Genomics
Classification: Benign. Review status: criteria provided, single submitter. Criteria: ACMG Guidelines, 2015. Collection method: not provided. Allele origin: germline. Inheritance: Autosomal dominant inheritance. Affected: yes.

PreventionGenetics, part of Exact Sciences
Classification: Benign. Review status: criteria provided, single submitter. Criteria: ACMG Guidelines, 2015. Collection method: clinical testing. Allele origin: germline.

Genome Diagnostics Laboratory, University Medical Center Utrecht
Classification: Benign. Review status: no assertion criteria provided. Collection method: clinical testing. Allele origin: germline. Affected: yes. Study: VKGL Data-share Consensus. Not counted in ClinVar's aggregate classification.

Joint Genome Diagnostic Labs from Nijmegen and Maastricht, Radboudumc and MUMC+
Classification: Benign. Review status: no assertion criteria provided. Collection method: clinical testing. Allele origin: germline. Affected: yes. Study: VKGL Data-share Consensus. Not counted in ClinVar's aggregate classification.

NM_001243133.2(NLRP3):c.657C>T (p.Thr219=)

Gene: NLRP3 (NLR family pyrin domain containing 3; plus strand). Cytogenetic location: 1q44.
Variant type: single nucleotide variant.
Coding change: c.657C>T on transcript NM_001243133.2 (MANE Select); coding-DNA position 657, C replaced by T.
Protein change: p.Thr219=; no amino-acid change (threonine 219 retained).
Molecular consequence: synonymous variant.
Genome position (GRCh38, 1-based): chr1:247,424,106, C>T. VCF-style: chr1-247424106-C-T. GRCh37 (hg19) VCF-style: chr1-247587408-C-T.
Other names: p.Thr221=; c.657C>T, p.Thr219= (NM_001079821.3, NM_001127461.3, NM_001127462.3 and 1 more transcripts); c.663C>T, p.Thr221= (NM_004895.5).
Identifiers: ClinVar variation 259562 (VCV000259562.39), dbSNP rs7525979, ClinGen allele CA1494918.